The following is an entry in ClinVar:

NM_005228.5(EGFR):c.1919+1G>A

Gene: EGFR (epidermal growth factor receptor; plus strand). Cytogenetic location: 7p11.2.
Variant type: single nucleotide variant.
Coding change: c.1919+1G>A on transcript NM_005228.5 (MANE Select); the canonical splice donor site of the intron after coding-DNA position 1919, G replaced by A.
Molecular consequence: splice donor variant.
Genome position (GRCh38, 1-based): chr7:55,171,214, G>A. VCF-style: chr7-55171214-G-A. GRCh37 (hg19) VCF-style: chr7-55238907-G-A.
Other names: c.1784+1G>A (NM_001346899.2, NM_001346897.2); c.1118+1G>A (NM_001346941.2); c.1919+1G>A (NM_001346898.2); c.1760+1G>A (NM_001346900.2).
Identifiers: ClinVar variation 1476721 (VCV001476721.6), dbSNP rs2128951424, ClinGen allele CA367582319.

ClinVar aggregate classification (germline): Likely pathogenic (1 of 4 stars; one submission).

Conditions:
EGFR-related lung cancer (EGFR). Identifiers: MedGen CN130014.

Submission:

Labcorp Genetics (formerly Invitae), Labcorp
Classification: Likely pathogenic for EGFR-related lung cancer. Last evaluated: 2021-10-01. Review status: criteria provided, single submitter. Criteria: Invitae Variant Classification Sherloc (09022015). Collection method: clinical testing. Allele origin: germline.
Comment: In summary, the currently available evidence indicates that the variant is pathogenic, but additional data are needed to prove that conclusively. Therefore, this variant has been classified as Likely Pathogenic. Algorithms developed to predict the effect of sequence changes on RNA splicing suggest that this variant may disrupt the consensus splice site. This variant has not been reported in the literature in individuals affected with EGFR-related conditions. This variant is not present in population databases (ExAC no frequency). This sequence change affects a donor splice site in intron 16 of the EGFR gene. It is expected to disrupt RNA splicing. Variants that disrupt the donor or acceptor splice site typically lead to a loss of protein function (PMID: 16199547), and loss-of-function variants in EGFR are known to be pathogenic (PMID: 7630400, 28726809, 29899996).

Literature cited by the submitters: PubMed 16199547; PubMed 7630400; PubMed 28726809; PubMed 29899996.